The following is an entry in ClinVar:

NM_147127.5(EVC2):c.1486A>G (p.Ser496Gly)

Gene: EVC2 (EvC ciliary complex subunit 2; minus strand). Cytogenetic location: 4p16.2.
Variant type: single nucleotide variant.
Coding change: c.1486A>G on transcript NM_147127.5 (MANE Select); coding-DNA position 1486, A replaced by G.
Protein change: p.Ser496Gly; replaces serine 496 with glycine.
Molecular consequence: missense variant.
Genome position (GRCh38, 1-based): chr4:5,632,017, T>C on the plus strand (A>G on the coding strand, the complement: EVC2 is on the minus strand). VCF-style: chr4-5632017-T-C. GRCh37 (hg19) VCF-style: chr4-5633744-T-C.
Other names: c.1246A>G, p.Ser416Gly (NM_001166136.2); short protein forms S416G, S496G.
Identifiers: ClinVar variation 3748190 (VCV003748190.2).

ClinVar aggregate classification (germline): Uncertain significance (1 of 4 stars; one submission).

Conditions:
Ellis-van Creveld syndrome (EVC). Also called: EVC-Related Ellis-van Creveld Syndrome; EVC2-Related Ellis-van Creveld Syndrome; MESOECTODERMAL DYSPLASIA; Chondroectodermal dysplasia. Identifiers: Orphanet 289, MedGen C0013903, MONDO:0009162, OMIM 225500.
Curry-Hall syndrome (WAD). Also called: WEYERS ACRODENTAL DYSOSTOSIS. Identifiers: Orphanet 952, MedGen C0457013, MONDO:0008673, OMIM 193530.

gnomAD v4.1: 4 of 1,614,022 alleles (0.00025%); highest among the groups gnomAD compares: Non-Finnish European, 0.00034%; no homozygotes.

Submission:

Labcorp Genetics (formerly Invitae), Labcorp
Classification: Uncertain significance for Curry-Hall syndrome; Ellis-van Creveld syndrome. Last evaluated: 2025-08-18. Review status: criteria provided, single submitter. Criteria: Invitae Variant Classification Sherloc (09022015). Collection method: clinical testing. Allele origin: germline.
Comment: This sequence change replaces serine, which is neutral and polar, with glycine, which is neutral and non-polar, at codon 496 of the EVC2 protein (p.Ser496Gly). This variant is present in population databases (rs775594374, gnomAD 0.0009%). This variant has not been reported in the literature in individuals affected with EVC2-related conditions. ClinVar contains an entry for this variant (Variation ID: 3748190). An algorithm developed to predict the effect of missense changes on protein structure and function (PolyPhen-2) suggests that this variant is likely to be tolerated. In summary, the available evidence is currently insufficient to determine the role of this variant in disease. Therefore, it has been classified as a Variant of Uncertain Significance.